The following is an entry in ClinVar:

NM_001029883.3(PCARE):c.1273C>T (p.Arg425Ter)

Gene: PCARE (photoreceptor cilium actin regulator; minus strand). Cytogenetic location: 2p23.2.
Variant type: single nucleotide variant.
Coding change: c.1273C>T on transcript NM_001029883.3 (MANE Select); coding-DNA position 1273, C replaced by T.
Protein change: p.Arg425Ter; replaces arginine 425 with a stop codon.
Molecular consequence: nonsense.
Genome position (GRCh38, 1-based): chr2:29,072,989, G>A on the plus strand (C>T on the coding strand, the complement: PCARE is on the minus strand). VCF-style: chr2-29072989-G-A. GRCh37 (hg19) VCF-style: chr2-29295855-G-A.
Other names: short protein forms R425*.
Identifiers: ClinVar variation 1074451 (VCV001074451.12), dbSNP rs1439930038, ClinGen allele CA346480533.

ClinVar aggregate classification (germline): Pathogenic. Review status: criteria provided, multiple submitters, no conflicts (2 of 4 stars). 3 submissions from 3 submitters: Pathogenic (3). Last evaluated 2024-07-11.

Conditions:
Retinitis pigmentosa 54 (RP54). Identifiers: Orphanet 791, MedGen C3150691, MONDO:0013263, OMIM 613428.
PCARE-related disorder. Also called: PCARE-related condition.

Allele frequency attached by ClinVar (database versions not stated): gnomAD exomes 0.00001.
gnomAD v4.1: 11 of 1,614,132 alleles (0.00068%); highest among the groups gnomAD compares: South Asian, 0.0022%; no homozygotes.

Submissions (3):

Revvity Omics, Revvity
Classification: Pathogenic for Retinitis pigmentosa 54. Last evaluated: 2024-07-11. Review status: criteria provided, single submitter. Criteria: ACMG Guidelines, 2015. Collection method: clinical testing. Allele origin: germline.

Labcorp Genetics (formerly Invitae), Labcorp
Classification: Pathogenic. Last evaluated: 2022-11-08. Review status: criteria provided, single submitter. Criteria: Invitae Variant Classification Sherloc (09022015). Collection method: clinical testing. Allele origin: germline.
Comment: For these reasons, this variant has been classified as Pathogenic. ClinVar contains an entry for this variant (Variation ID: 1074451). This premature translational stop signal has been observed in individual(s) with retinitis pigmentosa (PMID: 26496393, 28763557). This variant is present in population databases (no rsID available, gnomAD 0.003%). This sequence change creates a premature translational stop signal (p.Arg425*) in the PCARE gene. It is expected to result in an absent or disrupted protein product. Loss-of-function variants in PCARE are known to be pathogenic (PMID: 20398886, 24339724, 26496393).

Blueprint Genetics
Classification: Pathogenic for PCARE-related disorders. Last evaluated: 2022-04-19. Review status: criteria provided, single submitter. Criteria: ACMG Guidelines, 2015. Collection method: clinical testing. Allele origin: germline. Affected: yes. Observed: 2 variant alleles.

Literature cited by the submitters: PubMed 26496393 (cited by Labcorp Genetics (formerly Invitae), Labcorp); PubMed 28763557 (cited by Labcorp Genetics (formerly Invitae), Labcorp); PubMed 20398886 (cited by Labcorp Genetics (formerly Invitae), Labcorp); PubMed 24339724 (cited by Labcorp Genetics (formerly Invitae), Labcorp).